The following is an entry in ClinVar:

ClinVar aggregate classification (germline): Likely pathogenic (1 of 4 stars; one submission).

Submission:

Dasa
Classification: Likely pathogenic. Last evaluated: 2026-03-17. Review status: criteria provided, single submitter. Criteria: DASA Assertion Criteria. Collection method: clinical testing. Allele origin: germline.
Comment: NM_000159.4(GCDH):c.388C>A (p.Leu130Met) is a missense variant that results in the substitution of leucine with methionine. The affected residue or protein region has prior evidence supporting clinical relevance. This variant has been reported in individuals with GCDH-related disorders (PMID: 31788423). Also, this variant is rare in population databases. Based on the currently available evidence, this variant is classified as likely pathogenic.

Literature cited by the submitters: PubMed 31788423.

NM_000159.4(GCDH):c.388C>A (p.Leu130Met)

Gene: GCDH (glutaryl-CoA dehydrogenase; plus strand). Cytogenetic location: 19p13.13.
Variant type: single nucleotide variant.
Coding change: c.388C>A on transcript NM_000159.4 (MANE Select); coding-DNA position 388, C replaced by A.
Protein change: p.Leu130Met; replaces leucine 130 with methionine.
Molecular consequence: missense variant. On other transcripts: non-coding transcript variant (2).
Genome position (GRCh38, 1-based): chr19:12,893,536, C>A. VCF-style: chr19-12893536-C-A. GRCh37 (hg19) VCF-style: chr19-13004350-C-A.
Other names: c.388C>A, p.Leu130Met (NM_013976.5); short protein forms L130M.
Identifiers: ClinVar variation 4884216 (VCV004884216.2).